The following is an entry in ClinVar:

ClinVar aggregate classification (germline): Uncertain significance (1 of 4 stars; one submission).

Conditions:
KANK1-related disorder. Also called: KANK1-related condition.

Submission:

PreventionGenetics, part of Exact Sciences
Classification: Uncertain significance for KANK1-related condition. Last evaluated: 2025-04-30. Review status: criteria provided, single submitter. Criteria: ACMG Guidelines, 2015. Collection method: clinical testing. Allele origin: germline.
Comment: The KANK1 c.1423C>T variant is predicted to result in premature protein termination (p.Gln475*). To our knowledge, this variant has not been reported in the literature or in a large population database, indicating this variant is rare. Loss of function has not been established as a cause of disease in the KANK1 gene. At this time, the clinical significance of this variant is uncertain due to the absence of conclusive functional and genetic evidence.

NM_015158.5(KANK1):c.1423C>T (p.Gln475Ter)

Gene: KANK1 (KN motif and ankyrin repeat domains 1; plus strand). Cytogenetic location: 9p24.3.
Variant type: single nucleotide variant.
Coding change: c.1423C>T on transcript NM_015158.5 (MANE Select); coding-DNA position 1423, C replaced by T.
Protein change: p.Gln475Ter; replaces glutamine 475 with a stop codon.
Molecular consequence: nonsense. On other transcripts: non-coding transcript variant (1).
Genome position (GRCh38, 1-based): chr9:712,189, C>T. VCF-style: chr9-712189-C-T. GRCh37 (hg19) VCF-style: chr9-712189-C-T.
Other names: c.949C>T, p.Gln317Ter (NM_153186.6, NM_001354333.2, NM_001354335.2 and 9 more transcripts); c.1423C>T, p.Gln475Ter (NM_001256876.3, NM_001256877.3, NM_001354331.2 and 2 more transcripts); short protein forms Q317*, Q475*.
Identifiers: ClinVar variation 3348267 (VCV003348267.2).
Genomic context (GRCh38, chr9:712,189, plus strand): 5'-ATTGAGCTGCAACAGCAGACCATAGAATCCTTGAAGGAAAAGATCTATCGCCTAGAAGTA[C>T]AGCTTAGAGAAACCACCCATGACCGGGAGATGACTAAACTGAAACAAGAGCTGCAGGCTG-3'